The following is an entry in ClinVar:

ClinVar aggregate classification (germline): Uncertain significance (1 of 4 stars; one submission).

Conditions:
PKHD1-related disorder. Also called: PKHD1-related condition.

gnomAD v4.1: 3 of 1,613,046 alleles (0.00019%); highest among the groups gnomAD compares: Non-Finnish European, 0.00025%; no homozygotes.

Submission:

PreventionGenetics, part of Exact Sciences
Classification: Uncertain significance for PKHD1-related condition. Last evaluated: 2025-11-04. Review status: criteria provided, single submitter. Criteria: ACMG Guidelines, 2015. Collection method: clinical testing. Allele origin: germline.
Comment: The PKHD1 c.6467G>A variant is predicted to result in the amino acid substitution p.Cys2156Tyr. To our knowledge, this variant has not been reported in the literature or in a large population database (gnomAD), indicating this variant is rare. At this time, the clinical significance of this variant is uncertain due to the absence of conclusive functional and genetic evidence.

NM_138694.4(PKHD1):c.6467G>A (p.Cys2156Tyr)

Gene: PKHD1 (PKHD1 ciliary IPT domain containing fibrocystin/polyductin; minus strand). Cytogenetic location: 6p12.2.
Variant type: single nucleotide variant.
Coding change: c.6467G>A on transcript NM_138694.4 (MANE Select); coding-DNA position 6467, G replaced by A.
Protein change: p.Cys2156Tyr; replaces cysteine 2156 with tyrosine.
Molecular consequence: missense variant.
Genome position (GRCh38, 1-based): chr6:51,911,822, C>T on the plus strand (G>A on the coding strand, the complement: PKHD1 is on the minus strand). VCF-style: chr6-51911822-C-T. GRCh37 (hg19) VCF-style: chr6-51776620-C-T.
Other names: c.6467G>A, p.Cys2156Tyr (NM_170724.3); short protein forms C2156Y.
Identifiers: ClinVar variation 4987086 (VCV004987086.1).